The following is an entry in ClinVar:

NM_000183.3(HADHB):c.811+82A>G

Gene: HADHB (hydroxyacyl-CoA dehydrogenase trifunctional multienzyme complex subunit beta; plus strand). Cytogenetic location: 2p23.3.
Variant type: single nucleotide variant.
Coding change: c.811+82A>G on transcript NM_000183.3 (MANE Select); 82 bases into the intron after coding-DNA position 811, A replaced by G.
Molecular consequence: intron variant.
Genome position (GRCh38, 1-based): chr2:26,279,397, A>G. VCF-style: chr2-26279397-A-G. GRCh37 (hg19) VCF-style: chr2-26502265-A-G.
Other names: c.745+82A>G (NM_001281513.2); c.766+82A>G (NM_001281512.2).
Identifiers: ClinVar variation 2675997 (VCV002675997.5), dbSNP rs757303269, ClinGen allele CA44336658.

ClinVar aggregate classification (germline): Pathogenic/Likely pathogenic. Review status: criteria provided, multiple submitters, no conflicts (2 of 4 stars). 3 submissions from 3 submitters: Pathogenic (2); Likely pathogenic (1). Last evaluated 2024-11-07.

Conditions:
Mitochondrial trifunctional protein deficiency. Identifiers: Orphanet 746, MedGen C1969443, MONDO:0012172.
HADHB-related disorders.

gnomAD v4.1: 12 of 991,400 alleles (0.0012%); highest among the groups gnomAD compares: African/African-American, 0.013%; no homozygotes.

Submissions (3):

Blueprint Genetics
Classification: Pathogenic for HADHB-related disorders. Last evaluated: 2024-11-07. Review status: criteria provided, single submitter. Criteria: ACMG Guidelines, 2015. Collection method: clinical testing. Allele origin: germline. Affected: yes. Observed: 3 variant alleles.

Labcorp Genetics (formerly Invitae), Labcorp
Classification: Pathogenic for Mitochondrial trifunctional protein deficiency. Last evaluated: 2023-11-14. Review status: criteria provided, single submitter. Criteria: Invitae Variant Classification Sherloc (09022015). Collection method: clinical testing. Allele origin: germline.
Comment: This sequence change falls in intron 9 of the HADHB gene. It does not directly change the encoded amino acid sequence of the HADHB protein. This variant is present in population databases (rs757303269, gnomAD 0.02%). This variant has been observed in individual(s) with mitochondrial trifunctional protein deficiency (PMID: 32257295). In at least one individual the data is consistent with being in trans (on the opposite chromosome) from a pathogenic variant. Studies have shown that this variant is associated with altered splicing resulting in an insertion (81 bp) between exons 9 and 10 (PMID: 32257295). For these reasons, this variant has been classified as Pathogenic.

Baylor Genetics
Classification: Likely pathogenic for Mitochondrial trifunctional protein deficiency 1. Last evaluated: 2023-01-05. Review status: criteria provided, single submitter. Criteria: ACMG Guidelines, 2015. Collection method: clinical testing. Allele origin: unknown.

Literature cited by the submitters: PubMed 32257295 (cited by Labcorp Genetics (formerly Invitae), Labcorp).